The following is an entry in ClinVar:

ClinVar aggregate classification (germline): Benign. Review status: criteria provided, multiple submitters, no conflicts (2 of 4 stars). 4 submissions from 4 submitters: Benign (4). Last evaluated 2026-01-29.

Conditions:
Age related macular degeneration 1 (ARMD1). Also called: MACULOPATHY, AGE-RELATED, 1. Identifiers: MedGen C1864205, MONDO:0011285, OMIM 603075.

Allele frequency attached by ClinVar (database versions not stated): gnomAD exomes 0.00026 and 0.00085; ExAC 0.00106; 1000 Genomes Project 30x 0.00250; 1000 Genomes Project 0.00280; gnomAD 0.00292 and 0.00324; ESP Exome Variant Server 0.00323; TOPMed 0.00349.
gnomAD v4.1: 848 of 1,613,346 alleles (0.053%); highest among the groups gnomAD compares: African/African-American, 1%; 6 homozygotes.

Submissions (4):

Labcorp Genetics (formerly Invitae), Labcorp
Classification: Benign. Last evaluated: 2026-01-29. Review status: criteria provided, single submitter. Criteria: Invitae Variant Classification Sherloc (09022015). Collection method: clinical testing. Allele origin: germline.

Genome-Nilou Lab
Classification: Benign for Age related macular degeneration 1. Last evaluated: 2023-04-11. Review status: criteria provided, single submitter. Criteria: ACMG Guidelines, 2015. Collection method: clinical testing. Allele origin: germline. Affected: no.

Illumina Laboratory Services, Illumina
Classification: Benign for Age related macular degeneration 1. Last evaluated: 2018-01-12. Review status: criteria provided, single submitter. Criteria: ICSL Variant Classification Criteria 13 December 2019. Collection method: clinical testing. Allele origin: germline.
Comment: This variant was observed in the ICSL laboratory as part of a predisposition screen in an ostensibly healthy population. It had not been previously curated by ICSL or reported in the Human Gene Mutation Database (HGMD: prior to June 1st, 2018), and was therefore a candidate for classification through an automated scoring system. Utilizing variant allele frequency, disease prevalence and penetrance estimates, and inheritance mode, an automated score was calculated to assess if this variant is too frequent to cause the disease. Based on the score and internal cut-off values, a variant classified as benign is not then subjected to further curation. The score for this variant resulted in a classification of benign for this disease.

Breakthrough Genomics
Classification: Benign. Review status: criteria provided, single submitter. Criteria: ACMG Guidelines, 2015. Collection method: not provided. Allele origin: germline. Inheritance: Autosomal dominant inheritance. Affected: yes.

NM_031935.3(HMCN1):c.16318G>A (p.Asp5440Asn)

Gene: HMCN1 (hemicentin 1; plus strand). Cytogenetic location: 1q31.1.
Variant type: single nucleotide variant.
Coding change: c.16318G>A on transcript NM_031935.3 (MANE Select); coding-DNA position 16318, G replaced by A.
Protein change: p.Asp5440Asn; replaces aspartic acid 5440 with asparagine.
Molecular consequence: missense variant.
Genome position (GRCh38, 1-based): chr1:186,182,191, G>A. VCF-style: chr1-186182191-G-A. GRCh37 (hg19) VCF-style: chr1-186151323-G-A.
Other names: short protein forms D5440N.
Identifiers: ClinVar variation 709581 (VCV000709581.15), dbSNP rs74136061, ClinGen allele CA1295524.